The following is an entry in ClinVar:

NM_001386135.1(AFF3):c.961C>T (p.Pro321Ser)

Gene: AFF3 (ALF transcription elongation factor 3; minus strand). Cytogenetic location: 2q11.2.
Variant type: single nucleotide variant.
Coding change: c.961C>T on transcript NM_001386135.1 (MANE Select); coding-DNA position 961, C replaced by T.
Protein change: p.Pro321Ser; replaces proline 321 with serine.
Molecular consequence: missense variant.
Genome position (GRCh38, 1-based): chr2:99,752,262, G>A on the plus strand (C>T on the coding strand, the complement: AFF3 is on the minus strand). VCF-style: chr2-99752262-G-A. GRCh37 (hg19) VCF-style: chr2-100368724-G-A.
Other names: c.961C>T (NM_002285.2); c.1036C>T, p.Pro346Ser (NM_001025108.2); c.961C>T, p.Pro321Ser (NM_002285.3); short protein forms P346S, P321S.
Identifiers: ClinVar variation 2355785 (VCV002355785.4), dbSNP rs35309181, ClinGen allele CA1801360.

ClinVar aggregate classification (germline): Conflicting classifications of pathogenicity. Review status: criteria provided, conflicting classifications (1 of 4 stars). 2 submissions from 2 submitters: Uncertain significance (1); Likely benign (1). Last evaluated 2025-12-04.

Conditions:
AFF3-related disorder. Also called: AFF3-related condition.
Inborn genetic diseases. Identifiers: MedGen C0950123, MeSH D030342.

Allele frequency attached by ClinVar (database versions not stated): gnomAD exomes 0.00003; ExAC 0.00015; 1000 Genomes Project 0.00020; ESP Exome Variant Server 0.00023; 1000 Genomes Project 30x 0.00031; gnomAD 0.00032; TOPMed 0.00043.
gnomAD v4.1: 100 of 1,614,010 alleles (0.0062%); highest among the groups gnomAD compares: African/African-American, 0.12%; no homozygotes.

Submissions (2):

Ambry Genetics
Classification: Uncertain significance for Inborn genetic diseases. Last evaluated: 2025-12-04. Review status: criteria provided, single submitter. Criteria: Ambry Variant Classification Scheme 2023. Collection method: clinical testing. Allele origin: germline.

PreventionGenetics, part of Exact Sciences
Classification: Likely benign for AFF3-related condition. Last evaluated: 2025-06-23. Review status: criteria provided, single submitter. Criteria: ACMG Guidelines, 2015. Collection method: clinical testing. Allele origin: germline.
Comment: This variant is classified as likely benign based on ACMG/AMP sequence variant interpretation guidelines (Richards et al. 2015 PMID: 25741868, with internal and published modifications).